The following is an entry in ClinVar:

ClinVar aggregate classification (germline): Uncertain significance (1 of 4 stars; one submission).

Conditions:
Early-infantile DEE. Also called: Ohtahara syndrome; Early infantile epileptic encephalopathy; Early infantile epileptic encephalopathy with suppression bursts. Identifiers: Orphanet 1934, MedGen C0393706, MONDO:0800491.

Submission:

Labcorp Genetics (formerly Invitae), Labcorp
Classification: Uncertain significance for Early-infantile DEE. Last evaluated: 2023-10-28. Review status: criteria provided, single submitter. Criteria: Invitae Variant Classification Sherloc (09022015). Collection method: clinical testing. Allele origin: germline.
Comment: This sequence change replaces valine, which is neutral and non-polar, with phenylalanine, which is neutral and non-polar, at codon 1612 of the SCN1A protein (p.Val1612Phe). This variant is not present in population databases (gnomAD no frequency). This variant has not been reported in the literature in individuals affected with SCN1A-related conditions. Advanced modeling of protein sequence and biophysical properties (such as structural, functional, and spatial information, amino acid conservation, physicochemical variation, residue mobility, and thermodynamic stability) performed at Invitae indicates that this missense variant is expected to disrupt SCN1A protein function with a positive predictive value of 95%. In summary, the available evidence is currently insufficient to determine the role of this variant in disease. Therefore, it has been classified as a Variant of Uncertain Significance.

NM_001165963.4(SCN1A):c.4834G>T (p.Val1612Phe)

Genes: SCN1A (sodium voltage-gated channel alpha subunit 1; minus strand), LOC102724058 (uncharacterized LOC102724058; plus strand). Cytogenetic location: 2q24.3.
Variant type: single nucleotide variant.
Coding change: c.4834G>T on transcript NM_001165963.4 (MANE Select); coding-DNA position 4834, G replaced by T.
Protein change: p.Val1612Phe; replaces valine 1612 with phenylalanine.
Molecular consequence: missense variant. On other transcripts: non-coding transcript variant (1).
Genome position (GRCh38, 1-based): chr2:165,994,164, C>A on the plus strand (G>T on the coding strand, the complement: SCN1A is on the minus strand). VCF-style: chr2-165994164-C-A. GRCh37 (hg19) VCF-style: chr2-166850674-C-A.
Other names: c.4798G>T, p.Val1600Phe (NM_001353954.2, NM_001353955.2); c.4750G>T, p.Val1584Phe (NM_001353957.2, NM_001353958.2, NM_001165964.3); c.4747G>T, p.Val1583Phe (NM_001353960.2); c.2392G>T, p.Val798Phe (NM_001353961.2); c.4801G>T, p.Val1601Phe (NM_006920.6, NM_001353949.2, NM_001353950.2 and 2 more transcripts); c.4834G>T, p.Val1612Phe (NM_001202435.3, NM_001353948.2); short protein forms V1583F, V1600F, V1612F, V1584F, V1601F, V798F.
Identifiers: ClinVar variation 2781664 (VCV002781664.3), dbSNP rs121918808, ClinGen allele CA349071299.